The following is an entry in ClinVar:

ClinVar aggregate classification (germline): Uncertain significance (1 of 4 stars; one submission).

Conditions:
Menkes kinky-hair syndrome (MNK). Also called: Copper transport disease; Menkes Disease; Classic Menkes Disease. Identifiers: Orphanet 565, MedGen C0022716, MONDO:0010651, OMIM 309400.
Cutis laxa, X-linked (OHS). Also called: EDS IX; Occipital horn syndrome. Identifiers: Orphanet 198, MedGen C0268353, MONDO:0010572, OMIM 304150.
X-linked distal spinal muscular atrophy type 3. Also called: ATP7A-Related Distal Motor Neuropathy; SPINAL MUSCULAR ATROPHY, DISTAL, X-LINKED RECESSIVE; NEURONOPATHY, DISTAL HEREDITARY MOTOR, X-LINKED; NEUROPATHY, DISTAL HEREDITARY MOTOR, X-LINKED. Identifiers: Orphanet 139557, MedGen C1845359, MONDO:0010338, OMIM 300489.

Submission:

Labcorp Genetics (formerly Invitae), Labcorp
Classification: Uncertain significance for X-linked distal spinal muscular atrophy type 3; Cutis laxa, X-linked; Menkes kinky-hair syndrome. Last evaluated: 2023-06-18. Review status: criteria provided, single submitter. Criteria: Invitae Variant Classification Sherloc (09022015). Collection method: clinical testing. Allele origin: germline.
Comment: In summary, the available evidence is currently insufficient to determine the role of this variant in disease. Therefore, it has been classified as a Variant of Uncertain Significance. Advanced modeling of protein sequence and biophysical properties (such as structural, functional, and spatial information, amino acid conservation, physicochemical variation, residue mobility, and thermodynamic stability) has been performed at Invitae for this missense variant, however the output from this modeling did not meet the statistical confidence thresholds required to predict the impact of this variant on ATP7A protein function. This variant has not been reported in the literature in individuals affected with ATP7A-related conditions. This variant is not present in population databases (gnomAD no frequency). This sequence change replaces alanine, which is neutral and non-polar, with glycine, which is neutral and non-polar, at codon 1236 of the ATP7A protein (p.Ala1236Gly).

NM_000052.7(ATP7A):c.3707C>G (p.Ala1236Gly)

Gene: ATP7A (ATPase copper transporting alpha; plus strand). Cytogenetic location: Xq21.1.
Variant type: single nucleotide variant.
Coding change: c.3707C>G on transcript NM_000052.7 (MANE Select); coding-DNA position 3707, C replaced by G.
Protein change: p.Ala1236Gly; replaces alanine 1236 with glycine.
Molecular consequence: missense variant. On other transcripts: non-coding transcript variant (1).
Genome position (GRCh38, 1-based): chrX:78,040,639, C>G. VCF-style: chrX-78040639-C-G. GRCh37 (hg19) VCF-style: chrX-77296137-C-G.
Other names: c.3473C>G, p.Ala1158Gly (NM_001282224.2); short protein forms A1158G, A1236G.
Identifiers: ClinVar variation 2933870 (VCV002933870.3), dbSNP rs1308670071, ClinGen allele CA413604790.